The following is an entry in ClinVar:

NM_002180.3(IGHMBP2):c.1845T>A (p.Arg615=)

Gene: IGHMBP2 (immunoglobulin mu DNA binding protein 2; plus strand). Cytogenetic location: 11q13.3.
Variant type: single nucleotide variant.
Coding change: c.1845T>A on transcript NM_002180.3 (MANE Select); coding-DNA position 1845, T replaced by A.
Protein change: p.Arg615=; no amino-acid change (arginine 615 retained).
Molecular consequence: synonymous variant.
Genome position (GRCh38, 1-based): chr11:68,936,325, T>A. VCF-style: chr11-68936325-T-A. GRCh37 (hg19) VCF-style: chr11-68703793-T-A.
Identifiers: ClinVar variation 447575 (VCV000447575.22), dbSNP rs370850999, ClinGen allele CA6153794.

ClinVar aggregate classification (germline): Conflicting classifications of pathogenicity. Review status: criteria provided, conflicting classifications (1 of 4 stars). 7 submissions from 7 submitters: Uncertain significance (1); Likely benign (6). Last evaluated 2026-06-24.

Conditions:
IGHMBP2-related disorder. Also called: IGHMBP2-related condition; IGHMBP2-related disorders.
Inborn genetic diseases. Identifiers: MedGen C0950123, MeSH D030342.
Autosomal recessive distal spinal muscular atrophy 1. Also called: HMN VI; NEURONOPATHY, SEVERE INFANTILE AXONAL, WITH RESPIRATORY FAILURE; SEVERE INFANTILE AXONAL NEUROPATHY WITH RESPIRATORY FAILURE; SPINAL MUSCULAR ATROPHY, DIAPHRAGMATIC; Spinal muscular atrophy with respiratory distress 1; NEURONOPATHY, DISTAL HEREDITARY MOTOR, HARDING TYPE VI. Identifiers: Orphanet 98920, MedGen C1858517, MONDO:0011436, OMIM 604320.
Charcot-Marie-Tooth disease axonal type 2S. Also called: CHARCOT-MARIE-TOOTH NEUROPATHY, TYPE 2S; CHARCOT-MARIE-TOOTH DISEASE, AXONAL, AUTOSOMAL RECESSIVE, TYPE 2S. Identifiers: Orphanet 443073, MedGen C4015349, MONDO:0014511, OMIM 616155.

Allele frequency attached by ClinVar (database versions not stated): gnomAD exomes 0.00002 and 0.00016; ExAC 0.00015; ESP Exome Variant Server 0.00038; gnomAD 0.00018 and 0.00021; TOPMed 0.00028.
gnomAD v4.1: 144 of 1,614,088 alleles (0.0089%); highest among the groups gnomAD compares: African/African-American, 0.045%; 2 homozygotes.

Submissions (7):

PreventionGenetics, part of Exact Sciences
Classification: Likely benign for IGHMBP2-related condition. Last evaluated: 2026-06-24. Review status: criteria provided, single submitter. Criteria: ACMG Guidelines, 2015. Collection method: clinical testing. Allele origin: germline.
Comment: This variant is classified as likely benign based on ACMG/AMP sequence variant interpretation guidelines (Richards et al. 2015 PMID: 25741868, with internal and published modifications).

Labcorp Genetics (formerly Invitae), Labcorp
Classification: Likely benign for Autosomal recessive distal spinal muscular atrophy 1; Charcot-Marie-Tooth disease axonal type 2S. Last evaluated: 2026-02-02. Review status: criteria provided, single submitter. Criteria: Invitae Variant Classification Sherloc (09022015). Collection method: clinical testing. Allele origin: germline.

Blueprint Genetics
Classification: Likely benign. Last evaluated: 2024-10-15. Review status: criteria provided, single submitter. Criteria: ACMG Guidelines, 2015. Collection method: clinical testing. Allele origin: germline.

GeneDx
Classification: Likely benign. Last evaluated: 2019-09-24. Review status: criteria provided, single submitter. Criteria: GeneDx Variant Classification Process June 2021. Collection method: clinical testing. Allele origin: germline. Affected: yes.

Ambry Genetics
Classification: Likely benign for Inborn genetic diseases. Last evaluated: 2019-07-11. Review status: criteria provided, single submitter. Criteria: Ambry Variant Classification Scheme 2023. Collection method: clinical testing. Allele origin: germline.

Illumina Laboratory Services, Illumina
Classification: Uncertain significance for Autosomal recessive distal spinal muscular atrophy 1. Last evaluated: 2018-01-12. Review status: criteria provided, single submitter. Criteria: ICSL Variant Classification Criteria 13 December 2019. Collection method: clinical testing. Allele origin: germline.

Athena Diagnostics
Classification: Likely benign. Last evaluated: 2016-12-21. Review status: criteria provided, single submitter. Criteria: Athena Diagnostics Criteria. Collection method: clinical testing. Allele origin: germline.